The following is an entry in ClinVar:

ClinVar aggregate classification (germline): Uncertain significance (1 of 4 stars; one submission).

Conditions:
Inborn genetic diseases. Identifiers: MedGen C0950123, MeSH D030342.

Submission:

Ambry Genetics
Classification: Uncertain significance for Inborn genetic diseases. Last evaluated: 2024-11-28. Review status: criteria provided, single submitter. Criteria: Ambry Variant Classification Scheme 2023. Collection method: clinical testing. Allele origin: germline.
Comment: The p.S1448A variant (also known as c.4342T>G), located in coding exon 16 of the FANCM gene, results from a T to G substitution at nucleotide position 4342. The serine at codon 1448 is replaced by alanine, an amino acid with similar properties. This amino acid position is conserved. In addition, this alteration is predicted to be tolerated by in silico analysis. Based on the available evidence, the clinical significance of this variant remains unclear.

NM_020937.4(FANCM):c.4342T>G (p.Ser1448Ala)

Gene: FANCM (FA complementation group M; plus strand). Cytogenetic location: 14q21.2.
Variant type: single nucleotide variant.
Coding change: c.4342T>G on transcript NM_020937.4 (MANE Select); coding-DNA position 4342, T replaced by G.
Protein change: p.Ser1448Ala; replaces serine 1448 with alanine.
Molecular consequence: missense variant.
Genome position (GRCh38, 1-based): chr14:45,181,661, T>G. VCF-style: chr14-45181661-T-G. GRCh37 (hg19) VCF-style: chr14-45650864-T-G.
Other names: c.4264T>G, p.Ser1422Ala (NM_001308133.2); short protein forms S1422A, S1448A.
Identifiers: ClinVar variation 3512947 (VCV003512947.1).
Genomic context (GRCh38, chr14:45,181,661, plus strand): 5'-ACTTTTGTTGCCTTTTACTTTATTTACTTACTTTAGGATCAGAAAAATAGTGAAGTTGAT[T>G]CTCCACTTCATGCTGTCAAAAAGCGCAGATTTCCTATAAACAGAGTAAGTAAATACCAGG-3'
Protein context (NP_065988.1, residues 1438-1458): PEDQKNSEVD[Ser1448Ala]PLHAVKKRRF